The following is an entry in ClinVar:

NM_018297.4(NGLY1):c.1809T>G (p.Tyr603Ter)

Gene: NGLY1 (N-glycanase 1; minus strand). Cytogenetic location: 3p24.2.
Variant type: single nucleotide variant.
Coding change: c.1809T>G on transcript NM_018297.4 (MANE Select); coding-DNA position 1809, T replaced by G.
Protein change: p.Tyr603Ter; replaces tyrosine 603 with a stop codon.
Molecular consequence: nonsense. On other transcripts: missense variant (1).
Genome position (GRCh38, 1-based): chr3:25,719,616, A>C on the plus strand (T>G on the coding strand, the complement: NGLY1 is on the minus strand). VCF-style: chr3-25719616-A-C. GRCh37 (hg19) VCF-style: chr3-25761107-A-C.
Other names: c.1755T>G, p.Tyr585Ter (NM_001145293.2); c.1683T>G, p.Tyr561Ter (NM_001145294.2); c.1631T>G, p.Met544Arg (NM_001145295.2); short protein forms M544R, Y561*, Y585*, Y603*.
Identifiers: ClinVar variation 4845833 (VCV004845833.1).
Genomic context (GRCh38, chr3:25,719,616, plus strand): 5'-ACCATCTCCTCTGCTTAATTCTGCTTCCAAAATAACTTCAGTGGCACCAGAAAAATCAGC[A>C]TAGGAGTGAAGACTGTTATCTGTTAGAGGGAAAAAAAAAATTAACATTTTGCTTTTGGTA-3'

ClinVar aggregate classification (germline): Likely pathogenic (1 of 4 stars; one submission).

Conditions:
Congenital disorder of deglycosylation 1. Also called: NGLY1-Related Congenital Disorder of Deglycosylation; NGLY1-deficiency. Identifiers: Orphanet 404454, MedGen CN306977, MONDO:0800044, OMIM 615273.

Submission:

First Genomix Gene Laboratory, Genetic Diagnostics Department
Classification: Likely pathogenic for Congenital disorder of deglycosylation 1. Last evaluated: 2025-03-27. Review status: criteria provided, single submitter. Criteria: ACMG Guidelines, 2015. Collection method: clinical testing. Allele origin: germline. Inheritance: Autosomal recessive inheritance. Affected: no. Observed: 1 variant allele.